The following is an entry in ClinVar:

ClinVar aggregate classification (germline): Uncertain significance (1 of 4 stars; one submission).

Submission:

Labcorp Genetics (formerly Invitae), Labcorp
Classification: Uncertain significance. Last evaluated: 2024-10-24. Review status: criteria provided, single submitter. Criteria: Invitae Variant Classification Sherloc (09022015). Collection method: clinical testing. Allele origin: germline.
Comment: This sequence change replaces threonine, which is neutral and polar, with asparagine, which is neutral and polar, at codon 1036 of the PLEKHG2 protein (p.Thr1036Asn). This variant is not present in population databases (gnomAD no frequency). This variant has not been reported in the literature in individuals affected with PLEKHG2-related conditions. ClinVar contains an entry for this variant (Variation ID: 1960297). An algorithm developed to predict the effect of missense changes on protein structure and function (PolyPhen-2) suggests that this variant is likely to be tolerated. In summary, the available evidence is currently insufficient to determine the role of this variant in disease. Therefore, it has been classified as a Variant of Uncertain Significance.

NM_022835.3(PLEKHG2):c.3107C>A (p.Thr1036Asn)

Gene: PLEKHG2 (pleckstrin homology and RhoGEF domain containing G2; plus strand). Cytogenetic location: 19q13.2.
Variant type: single nucleotide variant.
Coding change: c.3107C>A on transcript NM_022835.3 (MANE Select); coding-DNA position 3107, C replaced by A.
Protein change: p.Thr1036Asn; replaces threonine 1036 with asparagine.
Molecular consequence: missense variant. On other transcripts: intron variant (1).
Genome position (GRCh38, 1-based): chr19:39,424,240, C>A. VCF-style: chr19-39424240-C-A. GRCh37 (hg19) VCF-style: chr19-39914880-C-A.
Other names: c.2930C>A, p.Thr977Asn (NM_001351693.2); c.1678-998C>A (NM_001351694.2); short protein forms T977N, T1036N.
Identifiers: ClinVar variation 1960297 (VCV001960297.5), dbSNP rs2514460533, ClinGen allele CA405803351.
Genomic context (GRCh38, chr19:39,424,240, plus strand): 5'-TTCCCACCACTCCAGCTTTGCCCAAGGAGATTTGTTCTGATTTCACAGTTTCAGTCACCA[C>A]CCCTGTGCCCAAGCAAGAAGGTCACCTAGACAGCGAGAGCCCAACCAATATCCCACTGAC-3'
Protein context (NP_073746.2, residues 1026-1046): ICSDFTVSVT[Thr1036Asn]PVPKQEGHLD